The following is an entry in ClinVar:

ClinVar aggregate classification (germline): Uncertain significance (1 of 4 stars; one submission).

Submission:

Labcorp Genetics (formerly Invitae), Labcorp
Classification: Uncertain significance. Last evaluated: 2024-10-22. Review status: criteria provided, single submitter. Criteria: Invitae Variant Classification Sherloc (09022015). Collection method: clinical testing. Allele origin: germline.
Comment: This sequence change replaces proline, which is neutral and non-polar, with histidine, which is basic and polar, at codon 459 of the CYP4V2 protein (p.Pro459His). This variant is not present in population databases (gnomAD no frequency). This variant has not been reported in the literature in individuals affected with CYP4V2-related conditions. ClinVar contains an entry for this variant (Variation ID: 1355446). Invitae Evidence Modeling of protein sequence and biophysical properties (such as structural, functional, and spatial information, amino acid conservation, physicochemical variation, residue mobility, and thermodynamic stability) indicates that this missense variant is expected to disrupt CYP4V2 protein function with a positive predictive value of 80%. In summary, the available evidence is currently insufficient to determine the role of this variant in disease. Therefore, it has been classified as a Variant of Uncertain Significance.

NM_207352.4(CYP4V2):c.1376C>A (p.Pro459His)

Gene: CYP4V2 (cytochrome P450 family 4 subfamily V member 2; plus strand). Cytogenetic location: 4q35.2.
Variant type: single nucleotide variant.
Coding change: c.1376C>A on transcript NM_207352.4 (MANE Select); coding-DNA position 1376, C replaced by A.
Protein change: p.Pro459His; replaces proline 459 with histidine.
Molecular consequence: missense variant.
Genome position (GRCh38, 1-based): chr4:186,209,243, C>A. VCF-style: chr4-186209243-C-A. GRCh37 (hg19) VCF-style: chr4-187130397-C-A.
Other names: short protein forms P459H.
Identifiers: ClinVar variation 1355446 (VCV001355446.7), dbSNP rs1270828621, ClinGen allele CA358950660.